The following is an entry in ClinVar:

NM_001005242.3(PKP2):c.1046T>G (p.Met349Arg)

Gene: PKP2 (plakophilin 2; minus strand). Cytogenetic location: 12p11.21.
Variant type: single nucleotide variant.
Coding change: c.1046T>G on transcript NM_001005242.3 (MANE Select); coding-DNA position 1046, T replaced by G.
Protein change: p.Met349Arg; replaces methionine 349 with arginine.
Molecular consequence: missense variant.
Genome position (GRCh38, 1-based): chr12:32,869,051, A>C on the plus strand (T>G on the coding strand, the complement: PKP2 is on the minus strand). VCF-style: chr12-32869051-A-C. GRCh37 (hg19) VCF-style: chr12-33021985-A-C.
Other names: c.1046T>G, p.Met349Arg (NM_001407157.1, NM_001407155.1, NM_001407156.1 and 2 more transcripts); c.719T>G, p.Met240Arg (NM_001407158.1, NM_001407159.1, NM_001407160.1 and 1 more transcripts); short protein forms M240R, M349R.
Identifiers: ClinVar variation 1923294 (VCV001923294.5), dbSNP rs2541322648, ClinGen allele CA384359944.

ClinVar aggregate classification (germline): Uncertain significance (1 of 4 stars; one submission).

Conditions:
Arrhythmogenic right ventricular dysplasia 9 (ARVD9). Also called: Arrhythmogenic Right Ventricular Dysplasia/Cardiomyopathy 9; ARRHYTHMOGENIC RIGHT VENTRICULAR DYSPLASIA, FAMILIAL, 9. Identifiers: MedGen C1836906, MONDO:0012180, OMIM 609040.

Allele frequency attached by ClinVar (database versions not stated): gnomAD exomes below 0.00001.
gnomAD v4.1: 1 of 1,613,958 alleles (0.000062%); highest among the groups gnomAD compares: Admixed American, 0.0017%; no homozygotes.

Submission:

Labcorp Genetics (formerly Invitae), Labcorp
Classification: Uncertain significance for Arrhythmogenic right ventricular dysplasia 9. Last evaluated: 2024-02-24. Review status: criteria provided, single submitter. Criteria: Invitae Variant Classification Sherloc (09022015). Collection method: clinical testing. Allele origin: germline.
Comment: This sequence change replaces methionine, which is neutral and non-polar, with arginine, which is basic and polar, at codon 349 of the PKP2 protein (p.Met349Arg). This variant is not present in population databases (gnomAD no frequency). This variant has not been reported in the literature in individuals affected with PKP2-related conditions. ClinVar contains an entry for this variant (Variation ID: 1923294). An algorithm developed to predict the effect of missense changes on protein structure and function (PolyPhen-2) suggests that this variant is likely to be tolerated. In summary, the available evidence is currently insufficient to determine the role of this variant in disease. Therefore, it has been classified as a Variant of Uncertain Significance.